The following is an entry in ClinVar:

ClinVar aggregate classification (germline): Uncertain significance (1 of 4 stars; one submission).

Submission:

GeneDx
Classification: Uncertain significance. Last evaluated: 2025-01-09. Review status: criteria provided, single submitter. Criteria: GeneDx Variant Classification Process June 2021. Collection method: clinical testing. Allele origin: germline. Affected: yes.
Comment: Not observed at significant frequency in large population cohorts (gnomAD); In-frame deletion of one amino acid in a non-repeat region; In silico analysis indicates that this variant does not alter protein structure/function; Has not been previously published as pathogenic or benign to our knowledge

NM_014991.6(WDFY3):c.6782GAG[1] (p.Gly2262del)

Gene: WDFY3 (WD repeat and FYVE domain containing 3; minus strand). Cytogenetic location: 4q21.23.
Variant type: Microsatellite.
Coding change: c.6782GAG[1] on transcript NM_014991.6 (MANE Select); one copy of the 3-base unit GAG starting at c.6782; the reference has two copies in a row; one copy, 3 bases deleted.
Protein change: p.Gly2262del; deletes glycine 2262.
Genome position (GRCh38, 1-based): chr4:84,736,298-84,736,300, CTC deleted on the plus strand (GAG on the coding strand, the reverse complement: WDFY3 is on the minus strand); deleting any 3 consecutive bases within chr4:84,736,298-84,736,303 gives the same sequence; the position shown is the placement nearest the transcript's 3' end. VCF-style (leftmost placement, unchanged base first): chr4-84736297-TCTC-T. GRCh37 (hg19) VCF-style: chr4-85657450-TCTC-T.
Other names: short protein forms G2262del.
Identifiers: ClinVar variation 3371825 (VCV003371825.2).